The following is an entry in ClinVar:

NM_001039141.3(TRIOBP):c.3460_3461del (p.Leu1154fs)

Gene: TRIOBP (TRIO and F-actin binding protein; plus strand). Cytogenetic location: 22q13.1.
Variant type: Microsatellite.
Coding change: c.3460_3461del on transcript NM_001039141.3 (MANE Select); coding-DNA positions 3460 to 3461, 2 bases deleted (CT; older notation c.3460_3461delCT).
Protein change: p.Leu1154fs; shifts the reading frame from leucine 1154.
Molecular consequence: frameshift variant.
Genome position (GRCh38, 1-based): chr22:37,726,016-37,726,017, CT deleted; deleting any 2 consecutive bases within chr22:37,726,012-37,726,017 gives the same sequence; the c. name uses the placement nearest the transcript's 3' end. VCF-style (leftmost placement, unchanged base first): chr22-37726011-ACT-A. GRCh37 (hg19) VCF-style: chr22-38122018-ACT-A.
Other names: c.3460_3461del (NM_001039141.2); short protein forms L1154fs.
Identifiers: ClinVar variation 996725 (VCV000996725.6), dbSNP rs771696726, ClinGen allele CA10224130.

ClinVar aggregate classification (germline): Pathogenic. Review status: criteria provided, multiple submitters, no conflicts (2 of 4 stars). 4 submissions from 4 submitters: Pathogenic (3). 1 of the submissions does not count toward it. Last evaluated 2023-11-03.

Conditions:
Hearing loss, autosomal recessive. Also called: Autosomal recessive nonsyndromic deafness; Nonsyndromic Hearing Loss, Recessive; Deafness, autosomal recessive; Rare autosomal recessive non-syndromic sensorineural deafness type DFNB. Identifiers: Orphanet 90635, Orphanet 90636, MedGen C1846647, MONDO:0019588, OMIM 607197.
Autosomal recessive nonsyndromic hearing loss 28. Identifiers: Orphanet 90636, MedGen C1853276, MONDO:0012355, OMIM 609823.

Submissions (4):

Labcorp Genetics (formerly Invitae), Labcorp
Classification: Pathogenic. Last evaluated: 2023-11-03. Review status: criteria provided, single submitter. Criteria: Invitae Variant Classification Sherloc (09022015). Collection method: clinical testing. Allele origin: germline.
Comment: This sequence change creates a premature translational stop signal (p.Leu1154Alafs*29) in the TRIOBP gene. It is expected to result in an absent or disrupted protein product. Loss-of-function variants in TRIOBP are known to be pathogenic (PMID: 16385457, 16385458, 20510926). This variant is present in population databases (rs771696726, gnomAD 0.004%). This premature translational stop signal has been observed in individual(s) with nonsyndromic deafness (PMID: 28000701, 28089734, 34416374). This variant is also known as c.3456_3457delCT (p.Asp1152AspfsTer31). ClinVar contains an entry for this variant (Variation ID: 996725). For these reasons, this variant has been classified as Pathogenic.

GeneDx
Classification: Pathogenic. Last evaluated: 2022-09-16. Review status: criteria provided, single submitter. Criteria: GeneDx Variant Classification Process June 2021. Collection method: clinical testing. Allele origin: germline. Affected: yes.
Comment: Frameshift variant predicted to result in protein truncation or nonsense mediated decay in a gene for which loss of function is a known mechanism of disease; Not observed at significant frequency in large population cohorts (gnomAD); This variant is associated with the following publications: (PMID: 28000701, 34416374, 28089734)

Fulgent Genetics
Classification: Pathogenic for Autosomal recessive nonsyndromic hearing loss 28. Last evaluated: 2022-03-16. Review status: criteria provided, single submitter. Criteria: ACMG Guidelines, 2015. Collection method: clinical testing. Allele origin: unknown.

University of Washington Center for Mendelian Genomics, University of Washington
Classification: Likely pathogenic for non-syndromic autosomal recessive hearing loss. Review status: no assertion criteria provided. Collection method: research. Allele origin: inherited. Affected: yes. Not counted in ClinVar's aggregate classification.

Literature cited by the submitters: PubMed 16385457 (cited by Labcorp Genetics (formerly Invitae), Labcorp); PubMed 16385458 (cited by Labcorp Genetics (formerly Invitae), Labcorp); PubMed 20510926 (cited by Labcorp Genetics (formerly Invitae), Labcorp); PubMed 28000701 (cited by Labcorp Genetics (formerly Invitae), Labcorp); PubMed 28089734 (cited by Labcorp Genetics (formerly Invitae), Labcorp); PubMed 34416374 (cited by Labcorp Genetics (formerly Invitae), Labcorp); PubMed 30303587 (cited by University of Washington Center for Mendelian Genomics, University of Washington).